The following is an entry in ClinVar:

NM_000535.6(PMS2):c.-87_537+?del

Gene: PMS2 (PMS1 homolog 2, mismatch repair system component; minus strand).
Variant type: Deletion.
Coding change: c.-87_537+?del on transcript NM_000535.6.
Other names: c.-87-?_537+?del (LRG_161t1).
Identifiers: ClinVar variation 254086 (VCV000254086.1).

ClinVar aggregate classification (germline): Pathogenic (1 of 4 stars; one submission).

Conditions:
Lynch syndrome. Identifiers: Orphanet 144, MedGen C4552100, MONDO:0005835. Disease mechanism: loss of function.

Submission:

Labcorp Genetics (formerly Invitae), Labcorp
Classification: Pathogenic for Hereditary nonpolyposis colorectal neoplasms. Last evaluated: 2016-03-14. Review status: criteria provided, single submitter. Criteria: Invitae Variant Classification Sherloc (09022015). Collection method: clinical testing. Allele origin: germline.
Comment: This variant is a gross deletion of the genomic region encompassing exons 1-5 of the PMS2 gene, which includes the initiator codon. The 5' end of this event is unknown as it extends beyond the assayed region for this gene and therefore may encompass additional genes. The 3' boundary is likely confined to intron 5 of the PMS2 gene. While this variant has not been reported in individuals affected with a PMS2-related disease, deletions of exon 1 and exons 1-6 of PMS2 have been reported in patients affected with colorectal cancer (PMID: 18809606, 20205264). This variant is expected to abrogate the initiation of protein translation and potentially disrupt transcription of the mRNA of PMS2. For these reasons, this variant has been classified as Pathogenic.